The following is an entry in ClinVar:

NM_032447.5(FBN3):c.1548C>A (p.Cys516Ter)

Gene: FBN3 (fibrillin 3; minus strand). Cytogenetic location: 19p13.2.
Variant type: single nucleotide variant.
Coding change: c.1548C>A on transcript NM_032447.5 (MANE Select); coding-DNA position 1548, C replaced by A.
Protein change: p.Cys516Ter; replaces cysteine 516 with a stop codon.
Molecular consequence: nonsense.
Genome position (GRCh38, 1-based): chr19:8,136,004, G>T on the plus strand (C>A on the coding strand, the complement: FBN3 is on the minus strand). VCF-style: chr19-8136004-G-T. GRCh37 (hg19) VCF-style: chr19-8200888-G-T.
Other names: c.1548C>A, p.Cys516Ter (NM_001321431.2); short protein forms C516*.
Identifiers: ClinVar variation 4703152 (VCV004703152.1).

ClinVar aggregate classification (germline): Uncertain significance (1 of 4 stars; one submission).

gnomAD v4.1: 4 of 1,458,814 alleles (0.00027%); highest among the groups gnomAD compares: African/African-American, 0.0062%; no homozygotes.

Submission:

Labcorp Genetics (formerly Invitae), Labcorp
Classification: Uncertain significance. Last evaluated: 2025-06-24. Review status: criteria provided, single submitter. Criteria: Invitae Variant Classification Sherloc (09022015). Collection method: clinical testing. Allele origin: germline.
Comment: This sequence change creates a premature translational stop signal (p.Cys516*) in the FBN3 gene. It is expected to result in an absent or disrupted protein product. However, the current clinical and genetic evidence is not sufficient to establish whether loss-of-function variants in FBN3 cause disease. The frequency data for this variant in the population databases is considered unreliable, as metrics indicate poor data quality at this position in the gnomAD database. This variant has not been reported in the literature in individuals affected with FBN3-related conditions. In summary, the available evidence is currently insufficient to determine the role of this variant in disease. Therefore, it has been classified as a Variant of Uncertain Significance.